The following is an entry in ClinVar:

ClinVar aggregate classification (germline): Uncertain significance. Review status: criteria provided, multiple submitters, no conflicts (2 of 4 stars). 2 submissions from 2 submitters: Uncertain significance (2). Last evaluated 2021-12-03.

Conditions:
Brugada syndrome. Also called: Sudden unexpected nocturnal death syndrome; Sudden unexplained nocturnal death syndrome; Sudden Unexplained Death Syndrome; Sudden Unexplained Nocturnal Death Syndrome (SUNDS). Identifiers: Orphanet 130, MedGen C1142166, MONDO:0015263.
Cardiovascular phenotype. Identifiers: MedGen CN230736.

Allele frequency attached by ClinVar (database versions not stated): ExAC 0.00001; gnomAD exomes 0.00001; TOPMed 0.00001.

Submissions (2):

Labcorp Genetics (formerly Invitae), Labcorp
Classification: Uncertain significance for Brugada syndrome. Last evaluated: 2021-12-03. Review status: criteria provided, single submitter. Criteria: Invitae Variant Classification Sherloc (09022015). Collection method: clinical testing. Allele origin: germline.
Comment: This sequence change replaces arginine, which is basic and polar, with cysteine, which is neutral and slightly polar, at codon 226 of the KCNJ8 protein (p.Arg226Cys). In summary, the available evidence is currently insufficient to determine the role of this variant in disease. Therefore, it has been classified as a Variant of Uncertain Significance. Advanced modeling of protein sequence and biophysical properties (such as structural, functional, and spatial information, amino acid conservation, physicochemical variation, residue mobility, and thermodynamic stability) performed at Invitae indicates that this missense variant is expected to disrupt KCNJ8 protein function. This variant has not been reported in the literature in individuals affected with KCNJ8-related conditions. This variant is present in population databases (rs763650307, gnomAD 0.002%).

Ambry Genetics
Classification: Uncertain significance for Cardiovascular phenotype. Last evaluated: 2019-04-18. Review status: criteria provided, single submitter. Criteria: Ambry Variant Classification Scheme 2023. Collection method: clinical testing. Allele origin: germline.
Comment: The p.R226C variant (also known as c.676C>T), located in coding exon 2 of the KCNJ8 gene, results from a C to T substitution at nucleotide position 676. The arginine at codon 226 is replaced by cysteine, an amino acid with highly dissimilar properties. This amino acid position is well conserved in available vertebrate species; however, cysteine is the reference amino acid in other vertebrate species. In addition, this alteration is predicted to be deleterious by in silico analysis. Since supporting evidence is limited at this time, the clinical significance of this alteration remains unclear.

NM_004982.4(KCNJ8):c.676C>T (p.Arg226Cys)

Genes: KCNJ8 (potassium inwardly rectifying channel subfamily J member 8; minus strand), KCNJ8-AS1 (KCNJ8 antisense RNA 1; plus strand). Cytogenetic location: 12p12.1.
Variant type: single nucleotide variant.
Coding change: c.676C>T on transcript NM_004982.4 (MANE Select); coding-DNA position 676, C replaced by T.
Protein change: p.Arg226Cys; replaces arginine 226 with cysteine.
Molecular consequence: missense variant.
Genome position (GRCh38, 1-based): chr12:21,766,322, G>A on the plus strand (C>T on the coding strand, the complement: KCNJ8 is on the minus strand). VCF-style: chr12-21766322-G-A. GRCh37 (hg19) VCF-style: chr12-21919256-G-A.
Other names: short protein forms R226C.
Identifiers: ClinVar variation 1387720 (VCV001387720.8), dbSNP rs763650307, ClinGen allele CA6480662.
Genomic context (GRCh38, chr12:21,766,322, plus strand): 5'-GTTGGTGAATAGGAACCACCTCCCCTTCAGGTGTAGTTGTTTTCTTGACCACCTGGATGC[G>A]CACAGAGGCACTAATGATCATGCTTTTCCTCAGGTCACCCACTCGGAACATGAAGCACAG-3'
Protein context (NP_004973.1, residues 216-236): RKSMIISASV[Arg226Cys]IQVVKKTTTP